The following is an entry in ClinVar:

ClinVar aggregate classification (germline): Uncertain significance (1 of 4 stars; one submission).

Conditions:
Neuropathy, hereditary sensory, type 2C. Also called: KIF1A-Related HSAN2 (HSAN2C); Hereditary sensory and autonomic neuropathy type IIC. Identifiers: Orphanet 970, MedGen C3280168, MONDO:0013634, OMIM 614213.
Hereditary spastic paraplegia 30. Identifiers: Orphanet 101010, MedGen C5235139, MONDO:0012476.
Intellectual disability, autosomal dominant 9 (NESCAVS). Also called: NESCAV SYNDROME; KIF1A-Related Neurodevelopmental Disorder. Identifiers: Orphanet 662367, MedGen C5393830, MONDO:0013656, OMIM 614255.

Submission:

Labcorp Genetics (formerly Invitae), Labcorp
Classification: Uncertain significance for Hereditary spastic paraplegia 30; Neuropathy, hereditary sensory, type 2C; Intellectual disability, autosomal dominant 9. Last evaluated: 2023-10-07. Review status: criteria provided, single submitter. Criteria: Invitae Variant Classification Sherloc (09022015). Collection method: clinical testing. Allele origin: germline.
Comment: This sequence change replaces asparagine, which is neutral and polar, with serine, which is neutral and polar, at codon 582 of the KIF1A protein (p.Asn582Ser). This variant is not present in population databases (gnomAD no frequency). This variant has not been reported in the literature in individuals affected with KIF1A-related conditions. Advanced modeling of protein sequence and biophysical properties (such as structural, functional, and spatial information, amino acid conservation, physicochemical variation, residue mobility, and thermodynamic stability) has been performed at Invitae for this missense variant, however the output from this modeling did not meet the statistical confidence thresholds required to predict the impact of this variant on KIF1A protein function. Algorithms developed to predict the effect of sequence changes on RNA splicing suggest that this variant may create or strengthen a splice site. In summary, the available evidence is currently insufficient to determine the role of this variant in disease. Therefore, it has been classified as a Variant of Uncertain Significance.

NM_001244008.2(KIF1A):c.1772A>G (p.Asn591Ser)

Gene: KIF1A (kinesin family member 1A; minus strand). Cytogenetic location: 2q37.3.
Variant type: single nucleotide variant.
Coding change: c.1772A>G on transcript NM_001244008.2 (MANE Select); coding-DNA position 1772, A replaced by G.
Protein change: p.Asn591Ser; replaces asparagine 591 with serine.
Molecular consequence: missense variant.
Genome position (GRCh38, 1-based): chr2:240,763,343, T>C on the plus strand (A>G on the coding strand, the complement: KIF1A is on the minus strand). VCF-style: chr2-240763343-T-C. GRCh37 (hg19) VCF-style: chr2-241702760-T-C.
Other names: c.1772A>G, p.Asn591Ser (NM_001320705.2, NM_001330289.2, NM_001379638.1); c.1847A>G, p.Asn616Ser (NM_001330290.2, NM_001379631.1, NM_001379634.1 and 2 more transcripts); c.1745A>G, p.Asn582Ser (NM_001379632.1, NM_001379633.1, NM_001379636.1 and 11 more transcripts); c.1820A>G, p.Asn607Ser (NM_001379637.1, NM_001379648.1); short protein forms N616S, N591S, N607S, N582S.
Identifiers: ClinVar variation 2952655 (VCV002952655.3), dbSNP rs2537673877, ClinGen allele CA351327320.